The following is an entry in ClinVar:

ClinVar aggregate classification (germline): Uncertain significance (1 of 4 stars; one submission).

Conditions:
Neurofibromatosis, type 2 (SWNV). Also called: NF2-Related Schwannomatosis; BILATERAL ACOUSTIC NEUROFIBROMATOSIS; SCHWANNOMATOSIS, VESTIBULAR. Identifiers: Orphanet 637, MedGen C0027832, MONDO:0007039, OMIM 101000. Disease mechanism: loss of function.

Submission:

Labcorp Genetics (formerly Invitae), Labcorp
Classification: Uncertain significance for Neurofibromatosis, type 2. Last evaluated: 2022-10-29. Review status: criteria provided, single submitter. Criteria: Invitae Variant Classification Sherloc (09022015). Collection method: clinical testing. Allele origin: germline.
Comment: This sequence change replaces isoleucine, which is neutral and non-polar, with phenylalanine, which is neutral and non-polar, at codon 113 of the NF2 protein (p.Ile113Phe). This variant is present in population databases (no rsID available, gnomAD 0.006%). This variant has not been reported in the literature in individuals affected with NF2-related conditions. Advanced modeling of protein sequence and biophysical properties (such as structural, functional, and spatial information, amino acid conservation, physicochemical variation, residue mobility, and thermodynamic stability) performed at Invitae indicates that this missense variant is expected to disrupt NF2 protein function. In summary, the available evidence is currently insufficient to determine the role of this variant in disease. Therefore, it has been classified as a Variant of Uncertain Significance.

NM_000268.4(NF2):c.337A>T (p.Ile113Phe)

Gene: NF2 (NF2, moesin-ezrin-radixin like (MERLIN) tumor suppressor; plus strand). Cytogenetic location: 22q12.2.
Variant type: single nucleotide variant.
Coding change: c.337A>T on transcript NM_000268.4 (MANE Select); coding-DNA position 337, A replaced by T.
Protein change: p.Ile113Phe; replaces isoleucine 113 with phenylalanine.
Molecular consequence: missense variant. On other transcripts: 5 prime UTR variant (1), intron variant (8).
Genome position (GRCh38, 1-based): chr22:29,639,186, A>T. VCF-style: chr22-29639186-A-T. GRCh37 (hg19) VCF-style: chr22-30035175-A-T.
Other names: c.223A>T, p.Ile75Phe (NM_001407056.1, NM_001407053.1); c.337A>T, p.Ile113Phe (NM_001407057.1, NM_001407059.1, NM_001407060.1 and 5 more transcripts); c.-304A>T (NM_001407065.1); c.106A>T, p.Ile36Phe (NM_001407067.1); c.211A>T, p.Ile71Phe (NM_181828.3, NM_001407055.1); c.240+2310A>T (NM_001407058.1, NM_181829.3, NM_001407054.1 and 1 more transcripts); c.115-3016A>T (NM_001407063.1, NM_181830.3, NM_001407064.1 and 1 more transcripts); short protein forms I75F, I113F, I36F, I71F.
Identifiers: ClinVar variation 2963965 (VCV002963965.3), dbSNP rs1328289194, ClinGen allele CA411153341.